The following is an entry in ClinVar:

ClinVar aggregate classification (germline): Pathogenic (1 of 4 stars; one submission).

Conditions:
Capillary malformation-arteriovenous malformation 1 (CMAVM1). Identifiers: Orphanet 137667, Orphanet 693907, MedGen C4747394, MONDO:0020783, OMIM 608354.

Submission:

Victorian Clinical Genetics Services, Murdoch Childrens Research Institute
Classification: Pathogenic for Capillary malformation-arteriovenous malformation 1. Last evaluated: 2022-02-02. Review status: criteria provided, single submitter. Criteria: ACMG Guidelines, 2015. Collection method: clinical testing. Allele origin: germline. Inheritance: Autosomal dominant inheritance. Affected: yes.
Comment: Based on the classification scheme VCGS_Germline_v1.3.4, this variant is classified as Pathogenic. Following criteria are met: 0102 - Loss of function is a known mechanism of disease in this gene and is associated with capillary malformation-arteriovenous malformation 1 (MIM#608354). (I) 0107 - This gene is associated with autosomal dominant disease. (I) 0201 - Variant is predicted to cause nonsense-mediated decay (NMD) and loss of protein (premature termination codon is located at least 54 nucleotides upstream of the final exon-exon junction). (SP) 0251 - This variant is heterozygous. (I) 0301 - Variant is absent from gnomAD (both v2 and v3). (SP) 0701 - Other NMD-predicted variants comparable to the one identified in this case have very strong previous evidence for pathogenicity (Clinvar, DECIPHER). (SP) 0807 - This variant has no previous evidence of pathogenicity. (I) 1007 - No published functional evidence has been identified for this variant. (I) Legend: (SP) - Supporting pathogenic, (I) - Information, (SB) - Supporting benign

NM_002890.3(RASA1):c.2655G>A (p.Trp885Ter)

Genes: CCNH (cyclin H; minus strand), RASA1 (RAS p21 protein activator 1; plus strand). Cytogenetic location: 5q14.3.
Variant type: single nucleotide variant.
Coding change: c.2655G>A on transcript NM_002890.3 (MANE Select); coding-DNA position 2655, G replaced by A.
Protein change: p.Trp885Ter; replaces tryptophan 885 with a stop codon.
Molecular consequence: nonsense. On other transcripts: intron variant (1).
Genome position (GRCh38, 1-based): chr5:87,380,560, G>A. VCF-style: chr5-87380560-G-A. GRCh37 (hg19) VCF-style: chr5-86676377-G-A.
Other names: c.2124G>A, p.Trp708Ter (NM_022650.3); c.933+14484C>T (NM_001364075.2); short protein forms W708*, W885*.
Identifiers: ClinVar variation 1699012 (VCV001699012.3), dbSNP rs2112500793, ClinGen allele CA360384881.